The following is an entry in ClinVar:

ClinVar aggregate classification (germline): Likely benign. Review status: criteria provided, multiple submitters, no conflicts (2 of 4 stars). 3 submissions from 3 submitters: Likely benign (2). 1 of the submissions does not count toward it. Last evaluated 2026-01-01.

Conditions:
BLTP1-related disorder. Also called: BLTP1-related condition.

Allele frequency attached by ClinVar (database versions not stated): 1000 Genomes Project 30x 0.00016; 1000 Genomes Project 0.00020; ESP Exome Variant Server 0.00067; ExAC 0.00086; TOPMed 0.00087; gnomAD 0.00101; gnomAD exomes 0.00123.
gnomAD v4.1: 1,929 of 1,611,192 alleles (0.12%); highest among the groups gnomAD compares: Non-Finnish European, 0.14%; 5 homozygotes.

Submissions (3):

CeGaT Center for Human Genetics Tuebingen
Classification: Likely benign. Last evaluated: 2026-01-01. Review status: criteria provided, single submitter. Criteria: CeGaT Center For Human Genetics Tuebingen Variant Classification Criteria Version 2. Collection method: clinical testing. Allele origin: germline. Affected: yes. Observed: 11 variant alleles.
Comment: BLTP1: BP4

Ambry Genetics
Classification: Likely benign. Last evaluated: 2021-06-29. Review status: criteria provided, single submitter. Criteria: Ambry Variant Classification Scheme 2023. Collection method: clinical testing. Allele origin: germline.

PreventionGenetics, part of Exact Sciences
Classification: Likely benign for BLTP1-related condition. Last evaluated: 2020-12-14. Review status: no assertion criteria provided. Collection method: clinical testing. Allele origin: germline. Not counted in ClinVar's aggregate classification.
Comment: This variant is classified as likely benign based on ACMG/AMP sequence variant interpretation guidelines (Richards et al. 2015 PMID: 25741868, with internal and published modifications).

NM_001384125.1(BLTP1):c.11393C>T (p.Pro3798Leu)

Gene: BLTP1 (bridge-like lipid transfer protein family member 1; plus strand). Cytogenetic location: 4q27.
Variant type: single nucleotide variant.
Coding change: c.11393C>T on transcript NM_001384125.1 (MANE Select); coding-DNA position 11393, C replaced by T.
Protein change: p.Pro3798Leu; replaces proline 3798 with leucine.
Molecular consequence: missense variant.
Genome position (GRCh38, 1-based): chr4:122,328,237, C>T. VCF-style: chr4-122328237-C-T. GRCh37 (hg19) VCF-style: chr4-123249392-C-T.
Other names: c.11129C>T, p.Pro3710Leu (NM_015312.4); c.11129C>T (NM_015312.3); short protein forms P3710L, P3798L.
Identifiers: ClinVar variation 2655067 (VCV002655067.26), dbSNP rs75040092, ClinGen allele CA3067750.
Genomic context (GRCh38, chr4:122,328,237, plus strand): 5'-AAGGATCATGTTCTGTGTTCAGTTCTCCCAAAACTCCAGGAGGCTTTTCACCAGGCATTC[C>T]TTTCCAAACTGAAGAGGGCCGACGGGATGACAGTTTGTCTTCTACCAGTGAAGATTCCGA-3'
Protein context (NP_001371054.1, residues 3788-3808): KTPGGFSPGI[Pro3798Leu]FQTEEGRRDD